The following is an entry in ClinVar:

NM_000551.4(VHL):c.639T>G (p.Asp213Glu)

Genes: VHL (von Hippel-Lindau tumor suppressor; plus strand), LOC107303340 (3p25 von Hippel-Lindau tumor suppressor, E3 ubiquitin protein ligase Alu-mediated recombination region; plus strand). Cytogenetic location: 3p25.3.
Variant type: single nucleotide variant.
Coding change: c.639T>G on transcript NM_000551.4 (MANE Select); coding-DNA position 639, T replaced by G.
Protein change: p.Asp213Glu; replaces aspartic acid 213 with glutamic acid.
Molecular consequence: missense variant. On other transcripts: 3 prime UTR variant (1).
Genome position (GRCh38, 1-based): chr3:10,149,962, T>G. VCF-style: chr3-10149962-T-G. GRCh37 (hg19) VCF-style: chr3-10191646-T-G.
Other names: c.*193T>G (NM_001354723.2); c.516T>G, p.Asp172Glu (NM_198156.3); short protein forms D172E, D213E.
Identifiers: ClinVar variation 1753289 (VCV001753289.6), dbSNP rs775624944, ClinGen allele CA351756717.

ClinVar aggregate classification (germline): Uncertain significance. Review status: criteria provided, multiple submitters, no conflicts (2 of 4 stars). 2 submissions from 2 submitters: Uncertain significance (2). Last evaluated 2024-01-31.

Conditions:
Chuvash polycythemia. Also called: POLYCYTHEMIA, VHL-DEPENDENT. Identifiers: Orphanet 238557, MedGen C1837915, MONDO:0009892, OMIM 263400.
Von Hippel-Lindau syndrome (VHLS). Also called: von Hippel–Lindau syndrome; VHL syndrome; Von Hippel-Lindau. Identifiers: Orphanet 892, MedGen C0019562, MONDO:0008667, OMIM 193300. Disease mechanism: loss of function.
Hereditary cancer-predisposing syndrome. Also called: Neoplastic Syndromes, Hereditary; Tumor predisposition; Hereditary neoplastic syndrome; Hereditary Cancer Syndrome. Identifiers: Orphanet 140162, MedGen C0027672, MeSH D009386, MONDO:0015356.

gnomAD v4.1: 3 of 1,613,376 alleles (0.00019%); highest among the groups gnomAD compares: Non-Finnish European, 0.00017%; no homozygotes.

Submissions (2):

Ambry Genetics
Classification: Uncertain significance for Hereditary cancer-predisposing syndrome. Last evaluated: 2024-01-31. Review status: criteria provided, single submitter. Criteria: Ambry Variant Classification Scheme 2023. Collection method: clinical testing. Allele origin: germline.
Comment: The p.D213E variant (also known as c.639T>G), located in coding exon 3 of the VHL gene, results from a T to G substitution at nucleotide position 639. The aspartic acid at codon 213 is replaced by glutamic acid, an amino acid with highly similar properties. This amino acid position is not well conserved in available vertebrate species. In addition, the in silico prediction for this alteration is inconclusive. Based on the available evidence, the clinical significance of this alteration remains unclear.

Labcorp Genetics (formerly Invitae), Labcorp
Classification: Uncertain significance for Von Hippel-Lindau syndrome; Chuvash polycythemia. Last evaluated: 2022-06-07. Review status: criteria provided, single submitter. Criteria: Invitae Variant Classification Sherloc (09022015). Collection method: clinical testing. Allele origin: germline.
Comment: This variant is present in population databases (no rsID available, gnomAD 0.0009%). In summary, the available evidence is currently insufficient to determine the role of this variant in disease. Therefore, it has been classified as a Variant of Uncertain Significance. Advanced modeling of protein sequence and biophysical properties (such as structural, functional, and spatial information, amino acid conservation, physicochemical variation, residue mobility, and thermodynamic stability) performed at Invitae indicates that this missense variant is not expected to disrupt VHL protein function. This variant has not been reported in the literature in individuals affected with VHL-related conditions. This sequence change replaces aspartic acid, which is acidic and polar, with glutamic acid, which is acidic and polar, at codon 213 of the VHL protein (p.Asp213Glu).